The following is an entry in ClinVar:

NM_001845.6(COL4A1):c.3505+7C>G

Gene: COL4A1 (collagen type IV alpha 1 chain; minus strand). Cytogenetic location: 13q34.
Variant type: single nucleotide variant.
Coding change: c.3505+7C>G on transcript NM_001845.6 (MANE Select); 7 bases into the intron after coding-DNA position 3505, C replaced by G.
Molecular consequence: intron variant.
Genome position (GRCh38, 1-based): chr13:110,173,893, G>C on the plus strand (C>G on the coding strand, the complement: COL4A1 is on the minus strand). VCF-style: chr13-110173893-G-C. GRCh37 (hg19) VCF-style: chr13-110826240-G-C.
Other names: c.3505+7C>G (NM_001845.5).
Identifiers: ClinVar variation 1944089 (VCV001944089.7), dbSNP rs1321558493, ClinGen allele CA612624529.
Genomic context (GRCh38, chr13:110,173,893, plus strand): 5'-GGCAGTCTGCAGGTCTCTGGGAGTGGACACTGCTGATTCTGATAGGGAATGGGGCGTTGG[G>C]CCATACCTGGTTCACCCTTCTCTCCTGCTGACCCCGGGATTCCATCACTGCCTGGCTCCC-3'

ClinVar aggregate classification (germline): Likely benign. Review status: criteria provided, single submitter (1 of 4 stars). 2 submissions from 2 submitters: Likely benign (1). 1 of the submissions does not count toward it. Last evaluated 2023-06-06.

Conditions:
COL4A1-related disorder. Also called: COL4A1-related disorders; COL4A1-related condition. Identifiers: MedGen CN376119, MONDO:0800461.

Allele frequency attached by ClinVar (database versions not stated): gnomAD exomes 0.00003.
gnomAD v4.1: 36 of 1,614,136 alleles (0.0022%); highest among the groups gnomAD compares: Non-Finnish European, 0.003%; no homozygotes.

Submissions (2):

Labcorp Genetics (formerly Invitae), Labcorp
Classification: Likely benign. Last evaluated: 2023-06-06. Review status: criteria provided, single submitter. Criteria: Invitae Variant Classification Sherloc (09022015). Collection method: clinical testing. Allele origin: germline.

PreventionGenetics, part of Exact Sciences
Classification: Likely benign for COL4A1-related condition. Last evaluated: 2024-02-20. Review status: no assertion criteria provided. Collection method: clinical testing. Allele origin: germline. Not counted in ClinVar's aggregate classification.
Comment: This variant is classified as likely benign based on ACMG/AMP sequence variant interpretation guidelines (Richards et al. 2015 PMID: 25741868, with internal and published modifications).